The following is an entry in ClinVar:

NM_001378477.3(NYX):c.133C>G (p.Arg45Gly)

Gene: NYX (nyctalopin; plus strand). Cytogenetic location: Xp11.4.
Variant type: single nucleotide variant.
Coding change: c.133C>G on transcript NM_001378477.3 (MANE Select); coding-DNA position 133, C replaced by G.
Protein change: p.Arg45Gly; replaces arginine 45 with glycine.
Molecular consequence: missense variant.
Genome position (GRCh38, 1-based): chrX:41,473,601, C>G. VCF-style: chrX-41473601-C-G. GRCh37 (hg19) VCF-style: chrX-41332854-C-G.
Other names: c.148C>G (NM_022567.2); c.133C>G, p.Arg45Gly (NM_022567.3); short protein forms R45G.
Identifiers: ClinVar variation 1514923 (VCV001514923.9), dbSNP rs765886362, ClinGen allele CA412989476.
Genomic context (GRCh38, chrX:41,473,601, plus strand): 5'-GCTTGTCCCGCCGCCTGCGCCTGCAGCACCGTGGAGCGCGGCTGCTCGGTGCGCTGCGAC[C>G]GCGCGGGCCTCCTGCGGGTGCCGGCCGAGCTCCCGTGCGAGGCGGTCTCCATCGACCTGG-3'
Protein context (NP_001365406.2, residues 35-55): VERGCSVRCD[Arg45Gly]AGLLRVPAEL

ClinVar aggregate classification (germline): Uncertain significance. Review status: criteria provided, multiple submitters, no conflicts (2 of 4 stars). 2 submissions from 2 submitters: Uncertain significance (2). Last evaluated 2025-01-08.

Conditions:
Inborn genetic diseases. Identifiers: MedGen C0950123, MeSH D030342.

Allele frequency attached by ClinVar (database versions not stated): gnomAD 0.00003; TOPMed 0.00004.
gnomAD v4.1: 6 of 1,021,069 alleles (0.00059%); highest among the groups gnomAD compares: African/African-American, 0.012%; no homozygotes.

Submissions (2):

Ambry Genetics
Classification: Uncertain significance for Inborn genetic diseases. Last evaluated: 2025-01-08. Review status: criteria provided, single submitter. Criteria: Ambry Variant Classification Scheme 2023. Collection method: clinical testing. Allele origin: germline.

Labcorp Genetics (formerly Invitae), Labcorp
Classification: Uncertain significance. Last evaluated: 2022-09-06. Review status: criteria provided, single submitter. Criteria: Invitae Variant Classification Sherloc (09022015). Collection method: clinical testing. Allele origin: germline.
Comment: ClinVar contains an entry for this variant (Variation ID: 1514923). Algorithms developed to predict the effect of missense changes on protein structure and function (SIFT, PolyPhen-2, Align-GVGD) all suggest that this variant is likely to be tolerated. In summary, the available evidence is currently insufficient to determine the role of this variant in disease. Therefore, it has been classified as a Variant of Uncertain Significance. This variant has not been reported in the literature in individuals affected with NYX-related conditions. The frequency data for this variant in the population databases is considered unreliable, as metrics indicate insufficient coverage at this position in the gnomAD database. This sequence change replaces arginine, which is basic and polar, with glycine, which is neutral and non-polar, at codon 50 of the NYX protein (p.Arg50Gly).